The following is an entry in ClinVar:

ClinVar aggregate classification (germline): Uncertain significance (1 of 4 stars; one submission).

Allele frequency attached by ClinVar (database versions not stated): TOPMed below 0.00001; gnomAD 0.00001.
gnomAD v4.1: 1 of 1,614,012 alleles (0.000062%); highest among the groups gnomAD compares: African/African-American, 0.0013%; no homozygotes.

Submission:

Ambry Genetics
Classification: Uncertain significance. Last evaluated: 2024-09-12. Review status: criteria provided, single submitter. Criteria: Ambry Variant Classification Scheme 2023. Collection method: clinical testing. Allele origin: germline.
Comment: The p.E229A variant (also known as c.686A>C), located in coding exon 4 of the MNDA gene, results from an A to C substitution at nucleotide position 686. The glutamic acid at codon 229 is replaced by alanine, an amino acid with dissimilar properties. This amino acid position is conserved. In addition, this alteration is predicted to be tolerated by in silico analysis. Since supporting evidence is limited at this time, the clinical significance of this alteration remains unclear.

NM_002432.3(MNDA):c.686A>C (p.Glu229Ala)

Gene: MNDA (myeloid cell nuclear differentiation antigen; plus strand). Cytogenetic location: 1q23.1.
Variant type: single nucleotide variant.
Coding change: c.686A>C on transcript NM_002432.3 (MANE Select); coding-DNA position 686, A replaced by C.
Protein change: p.Glu229Ala; replaces glutamic acid 229 with alanine.
Molecular consequence: missense variant.
Genome position (GRCh38, 1-based): chr1:158,845,702, A>C. VCF-style: chr1-158845702-A-C. GRCh37 (hg19) VCF-style: chr1-158815492-A-C.
Other names: short protein forms E229A.
Identifiers: ClinVar variation 1755868 (VCV001755868.3), dbSNP rs748799309, ClinGen allele CA343041062.